The following is an entry in ClinVar:

NM_005876.5(SPEG):c.4001C>A (p.Ala1334Glu)

Gene: SPEG (striated muscle enriched protein kinase; plus strand). Cytogenetic location: 2q35.
Variant type: single nucleotide variant.
Coding change: c.4001C>A on transcript NM_005876.5 (MANE Select); coding-DNA position 4001, C replaced by A.
Protein change: p.Ala1334Glu; replaces alanine 1334 with glutamic acid.
Molecular consequence: missense variant.
Genome position (GRCh38, 1-based): chr2:219,472,950, C>A. VCF-style: chr2-219472950-C-A. GRCh37 (hg19) VCF-style: chr2-220337672-C-A.
Other names: short protein forms A1334E.
Identifiers: ClinVar variation 1420523 (VCV001420523.6), dbSNP rs756162814, ClinGen allele CA350752818.

ClinVar aggregate classification (germline): Uncertain significance (1 of 4 stars; one submission).

gnomAD v4.1: 2 of 1,613,756 alleles (0.00012%); highest among the groups gnomAD compares: Admixed American, 0.0033%; no homozygotes.

Submission:

Labcorp Genetics (formerly Invitae), Labcorp
Classification: Uncertain significance. Last evaluated: 2022-07-12. Review status: criteria provided, single submitter. Criteria: Invitae Variant Classification Sherloc (09022015). Collection method: clinical testing. Allele origin: germline.
Comment: This variant has not been reported in the literature in individuals affected with SPEG-related conditions. In summary, the available evidence is currently insufficient to determine the role of this variant in disease. Therefore, it has been classified as a Variant of Uncertain Significance. Algorithms developed to predict the effect of missense changes on protein structure and function are either unavailable or do not agree on the potential impact of this missense change (SIFT: "Deleterious"; PolyPhen-2: "Benign"; Align-GVGD: "Class C0"). ClinVar contains an entry for this variant (Variation ID: 1420523). This variant is present in population databases (no rsID available, gnomAD 0.006%). This sequence change replaces alanine, which is neutral and non-polar, with glutamic acid, which is acidic and polar, at codon 1334 of the SPEG protein (p.Ala1334Glu).